The following is an entry in ClinVar:

NM_002693.3(POLG):c.852C>G (p.Ile284Met)

Gene: POLG (DNA polymerase gamma, catalytic subunit; minus strand). Cytogenetic location: 15q26.1.
Variant type: single nucleotide variant.
Coding change: c.852C>G on transcript NM_002693.3 (MANE Select); coding-DNA position 852, C replaced by G.
Protein change: p.Ile284Met; replaces isoleucine 284 with methionine.
Molecular consequence: missense variant.
Genome position (GRCh38, 1-based): chr15:89,330,084, G>C on the plus strand (C>G on the coding strand, the complement: POLG is on the minus strand). VCF-style: chr15-89330084-G-C. GRCh37 (hg19) VCF-style: chr15-89873315-G-C.
Other names: c.852C>G, p.Ile284Met (NM_001126131.2); short protein forms I284M.
Identifiers: ClinVar variation 2572841 (VCV002572841.1), dbSNP rs41540414, ClinGen allele CA7725033.

ClinVar aggregate classification (germline): Uncertain significance (1 of 4 stars; one submission).

gnomAD v4.1: 1 of 1,612,140 alleles (0.000062%); highest among the groups gnomAD compares: Non-Finnish European, 0.000085%; no homozygotes.

Submission:

GeneDx
Classification: Uncertain significance. Last evaluated: 2023-01-12. Review status: criteria provided, single submitter. Criteria: GeneDx Variant Classification Process June 2021. Collection method: clinical testing. Allele origin: germline. Affected: yes.
Comment: Not observed at significant frequency in large population cohorts (gnomAD); In silico analysis supports that this missense variant does not alter protein structure/function; Has not been previously published as pathogenic or benign to our knowledge